The following is an entry in ClinVar:

NM_000548.5(TSC2):c.4968C>T (p.Asp1656=)

Gene: TSC2 (TSC complex subunit 2; plus strand). Cytogenetic location: 16p13.3.
Variant type: single nucleotide variant.
Coding change: c.4968C>T on transcript NM_000548.5 (MANE Select); coding-DNA position 4968, C replaced by T.
Protein change: p.Asp1656=; no amino-acid change (aspartic acid 1656 retained).
Molecular consequence: synonymous variant.
Genome position (GRCh38, 1-based): chr16:2,086,850, C>T. VCF-style: chr16-2086850-C-T. GRCh37 (hg19) VCF-style: chr16-2136851-C-T.
Other names: c.4767C>T, p.Asp1589= (NM_001077183.3); c.4899C>T, p.Asp1633= (NM_001114382.3); c.4659C>T, p.Asp1553= (NM_001318827.2); c.4623C>T, p.Asp1541= (NM_001318829.2); c.4236C>T, p.Asp1412= (NM_001318831.2); c.4800C>T, p.Asp1600= (NM_001318832.2); c.4770C>T, p.Asp1590= (NM_001363528.2); c.4836C>T, p.Asp1612= (NM_001370404.1); and 1 more.
Identifiers: ClinVar variation 256631 (VCV000256631.56), dbSNP rs182327684, ClinGen allele CA053163.

ClinVar aggregate classification (germline): Benign/Likely benign. Review status: criteria provided, multiple submitters, no conflicts (2 of 4 stars). 10 submissions from 10 submitters: Benign (6); Likely benign (4). Last evaluated 2026-02-03.

Conditions:
Tuberous sclerosis syndrome (TSC). Also called: Tuberous Sclerosis Complex; Tuberous sclerosis. Identifiers: Orphanet 805, MedGen C0041341, MONDO:0001734.
Hereditary cancer-predisposing syndrome. Also called: Tumor predisposition; Hereditary Cancer Syndrome; Neoplastic Syndromes, Hereditary; Hereditary neoplastic syndrome. Identifiers: Orphanet 140162, MedGen C0027672, MeSH D009386, MONDO:0015356.
Tuberous sclerosis 2 (TSC2). Identifiers: Orphanet 805, MedGen C1860707, MONDO:0013199, OMIM 613254.

Allele frequency attached by ClinVar (database versions not stated): gnomAD exomes 0.00011 and 0.00045; gnomAD 0.00016 and 0.00017; TOPMed 0.00031; ExAC 0.00056; 1000 Genomes Project 0.00100; 1000 Genomes Project 30x 0.00125.
gnomAD v4.1: 191 of 1,599,380 alleles (0.012%); highest among the groups gnomAD compares: East Asian, 0.34%; 1 homozygote.

Submissions (10):

Labcorp Genetics (formerly Invitae), Labcorp
Classification: Benign for Tuberous sclerosis 2. Last evaluated: 2026-02-03. Review status: criteria provided, single submitter. Criteria: Invitae Variant Classification Sherloc (09022015). Collection method: clinical testing. Allele origin: germline.

Myriad Genetics, Inc.
Classification: Benign for Tuberous sclerosis 2. Last evaluated: 2025-06-05. Review status: criteria provided, single submitter. Criteria: Myriad Autosomal Dominant, Autosomal Recessive and X-Linked Classification Criteria (2023). Collection method: clinical testing. Allele origin: unknown.
Comment: This variant is considered benign. This variant is a silent/synonymous amino acid change and it is not expected to impact splicing.

Blueprint Genetics
Classification: Likely benign. Last evaluated: 2024-09-18. Review status: criteria provided, single submitter. Criteria: ACMG Guidelines, 2015. Collection method: clinical testing. Allele origin: germline.

CeGaT Center for Human Genetics Tuebingen
Classification: Likely benign. Last evaluated: 2023-04-01. Review status: criteria provided, single submitter. Criteria: CeGaT Center For Human Genetics Tuebingen Variant Classification Criteria Version 2. Collection method: clinical testing. Allele origin: germline. Affected: yes. Observed: 2 variant alleles.
Comment: TSC2: BP4, BP7, BS1

Color Diagnostics, LLC DBA Color Health
Classification: Benign for Tuberous sclerosis syndrome. Last evaluated: 2022-11-06. Review status: criteria provided, single submitter. Criteria: ACMG Guidelines, 2015. Collection method: clinical testing. Allele origin: germline.

Genome-Nilou Lab
Classification: Benign for Tuberous sclerosis 2. Last evaluated: 2021-11-07. Review status: criteria provided, single submitter. Criteria: ACMG Guidelines, 2015. Collection method: clinical testing. Allele origin: germline. Affected: no.

Sema4
Classification: Benign for Hereditary cancer-predisposing syndrome. Last evaluated: 2020-10-01. Review status: criteria provided, single submitter. Criteria: Sema4 Curation Guidelines. Collection method: curation. Allele origin: germline.

GeneDx
Classification: Benign. Last evaluated: 2016-11-12. Review status: criteria provided, single submitter. Criteria: GeneDx Variant Classification (06012015). Collection method: clinical testing. Allele origin: germline. Affected: yes.
Comment: This variant is considered likely benign or benign based on one or more of the following criteria: it is a conservative change, it occurs at a poorly conserved position in the protein, it is predicted to be benign by multiple in silico algorithms, and/or has population frequency not consistent with disease.

Ambry Genetics
Classification: Likely benign for Hereditary cancer-predisposing syndrome. Last evaluated: 2015-03-05. Review status: criteria provided, single submitter. Criteria: Ambry Variant Classification Scheme 2023. Collection method: clinical testing. Allele origin: germline.

PreventionGenetics, part of Exact Sciences
Classification: Likely benign. Review status: criteria provided, single submitter. Criteria: ACMG Guidelines, 2015. Collection method: clinical testing. Allele origin: germline.